The following is an entry in ClinVar:

ClinVar aggregate classification (germline): Conflicting classifications of pathogenicity. Review status: criteria provided, conflicting classifications (1 of 4 stars). 5 submissions from 5 submitters: Uncertain significance (3); Likely benign (2). Last evaluated 2025-08-08.

Conditions:
Hypogonadotropic hypogonadism 5 with or without anosmia (KAL5). Also called: HYPOGONADOTROPIC HYPOGONADISM 5 WITH ANOSMIA; HYPOGONADOTROPHIC HYPOGONADISM 5 WITHOUT ANOSMIA; CHD7-Related GnRH Deficiency (Kallmann Syndrome 5). Identifiers: Orphanet 478, MedGen C3552553, MONDO:0012880, OMIM 612370. Disease mechanism: loss of function.
CHARGE syndrome (CHARGE). Also called: Hittner Hirsch Kreh syndrome; Coloboma, heart anomaly, choanal atresia, retardation, genital and ear anomalies; CHARGE association; Hall-Hittner syndrome; CHARGE ASSOCIATION--COLOBOMA, HEART ANOMALY, CHOANAL ATRESIA, RETARDATION, GENITAL AND EAR ANOMALIES. Identifiers: Orphanet 138, MedGen C0265354, MONDO:0008965.
Inborn genetic diseases. Identifiers: MedGen C0950123, MeSH D030342.

Allele frequency attached by ClinVar (database versions not stated): TOPMed 0.00006; ESP Exome Variant Server 0.00008.
gnomAD v4.1: 33 of 1,613,664 alleles (0.002%); highest among the groups gnomAD compares: African/African-American, 0.0027%; no homozygotes.

Submissions (5):

Ambry Genetics
Classification: Uncertain significance for Inborn genetic diseases. Last evaluated: 2025-08-08. Review status: criteria provided, single submitter. Criteria: Ambry Variant Classification Scheme 2023. Collection method: clinical testing. Allele origin: germline.

Labcorp Genetics (formerly Invitae), Labcorp
Classification: Uncertain significance for CHARGE syndrome. Last evaluated: 2024-11-18. Review status: criteria provided, single submitter. Criteria: Invitae Variant Classification Sherloc (09022015). Collection method: clinical testing. Allele origin: germline.
Comment: This sequence change replaces glutamine, which is neutral and polar, with histidine, which is basic and polar, at codon 518 of the CHD7 protein (p.Gln518His). This variant is present in population databases (rs369284507, gnomAD 0.007%). This variant has not been reported in the literature in individuals affected with CHD7-related conditions. ClinVar contains an entry for this variant (Variation ID: 1022947). Invitae Evidence Modeling of protein sequence and biophysical properties (such as structural, functional, and spatial information, amino acid conservation, physicochemical variation, residue mobility, and thermodynamic stability) indicates that this missense variant is not expected to disrupt CHD7 protein function with a negative predictive value of 95%. In summary, the available evidence is currently insufficient to determine the role of this variant in disease. Therefore, it has been classified as a Variant of Uncertain Significance.

Fulgent Genetics
Classification: Likely benign for CHD7-related CHARGE syndrome; Hypogonadotropic hypogonadism 5 with or without anosmia. Last evaluated: 2024-05-13. Review status: criteria provided, single submitter. Criteria: ACMG Guidelines, 2015. Collection method: clinical testing. Allele origin: germline.

GeneDx
Classification: Likely benign. Last evaluated: 2021-07-27. Review status: criteria provided, single submitter. Criteria: GeneDx Variant Classification Process June 2021. Collection method: clinical testing. Allele origin: germline. Affected: yes.

Baylor Genetics
Classification: Uncertain significance for CHD7-related CHARGE syndrome. Last evaluated: 2018-04-05. Review status: criteria provided, single submitter. Criteria: ACMG Guidelines, 2015. Collection method: clinical testing. Allele origin: paternal. Affected: yes.
Comment: This variant was determined to be of uncertain significance according to ACMG Guidelines, 2015 [PMID:25741868].

NM_017780.4(CHD7):c.1554G>T (p.Gln518His)

Gene: CHD7 (chromodomain helicase DNA binding protein 7; plus strand). Cytogenetic location: 8q12.2.
Variant type: single nucleotide variant.
Coding change: c.1554G>T on transcript NM_017780.4 (MANE Select); coding-DNA position 1554, G replaced by T.
Protein change: p.Gln518His; replaces glutamine 518 with histidine.
Molecular consequence: missense variant.
Genome position (GRCh38, 1-based): chr8:60,742,986, G>T. VCF-style: chr8-60742986-G-T. GRCh37 (hg19) VCF-style: chr8-61655545-G-T.
Other names: c.1554G>T, p.Gln518His (NM_001316690.1); short protein forms Q518H.
Identifiers: ClinVar variation 1022947 (VCV001022947.13), dbSNP rs369284507, ClinGen allele CA4759511.
Genomic context (GRCh38, chr8:60,742,986, plus strand): 5'-CCAACAACATCCTGGTCAACAGCCATCTTTTCAGCAGTTGCCAACCTGTCCTCCACTGCA[G>T]CCTCACCCGGGCTTGCACCACCAGTCTTCACCTCCACACCCTCATCACCAGCCTTGGGCA-3'
Protein context (NP_060250.2, residues 508-528): FQQLPTCPPL[Gln518His]PHPGLHHQSS